The following is an entry in ClinVar:

NM_058195.4(CDKN2A):c.81C>G (p.Ile27Met)

Gene: CDKN2A (cyclin dependent kinase inhibitor 2A; minus strand). Cytogenetic location: 9p21.3.
Variant type: single nucleotide variant.
Coding change: c.81C>G on transcript NM_058195.4 (MANE Plus Clinical); coding-DNA position 81, C replaced by G.
Protein change: p.Ile27Met; replaces isoleucine 27 with methionine.
Molecular consequence: missense variant. On other transcripts: intron variant (1).
Genome position (GRCh38, 1-based): chr9:21,994,251, G>C on the plus strand (C>G on the coding strand, the complement: CDKN2A is on the minus strand). VCF-style: chr9-21994251-G-C. GRCh37 (hg19) VCF-style: chr9-21994250-G-C.
Other names: c.-4+570C>G (NM_001363763.2); short protein forms I27M.
Identifiers: ClinVar variation 1016504 (VCV001016504.6), dbSNP rs1413839473, ClinGen allele CA373086981.
Genomic context (GRCh38, chr9:21,994,251, plus strand): 5'-CAGCACGAGGGCCACAGCGGCGGGCGCCCCTGGCGCTGCCCACTCCCCCGTGAGCCGCGG[G>C]ATGTGAACCACGAAAACCCTCACTCGCGGCGGGCCGCACGCGCGCCGAATCCGGAGGGTC-3'
Protein context (NP_478102.2, residues 17-37): PPRVRVFVVH[Ile27Met]PRLTGEWAAP

ClinVar aggregate classification (germline): Uncertain significance. Review status: criteria provided, multiple submitters, no conflicts (2 of 4 stars). 2 submissions from 2 submitters: Uncertain significance (2). Last evaluated 2024-06-03.

Conditions:
Familial melanoma. Also called: Hereditary melanoma; Hereditary cutaneous melanoma. Identifiers: Orphanet 618, MedGen C1512419, MONDO:0018961.
Hereditary cancer-predisposing syndrome. Also called: Neoplastic Syndromes, Hereditary; Tumor predisposition; Hereditary Cancer Syndrome; Hereditary neoplastic syndrome. Identifiers: Orphanet 140162, MedGen C0027672, MeSH D009386, MONDO:0015356.

Allele frequency attached by ClinVar (database versions not stated): gnomAD exomes below 0.00001.
gnomAD v4.1: 5 of 1,606,594 alleles (0.00031%); highest among the groups gnomAD compares: Non-Finnish European, 0.00042%; no homozygotes.

Submissions (2):

Ambry Genetics
Classification: Uncertain significance for Hereditary cancer-predisposing syndrome. Last evaluated: 2024-06-03. Review status: criteria provided, single submitter. Criteria: Ambry Variant Classification Scheme 2023. Collection method: clinical testing. Allele origin: germline.
Comment: The p.I27M variant (also known as c.81C>G), located in coding exon 1 of the CDKN2A (p14ARF) gene, results from a C to G substitution at nucleotide position 81. The isoleucine at codon 27 is replaced by methionine, an amino acid with highly similar properties. This amino acid position is not well conserved in available vertebrate species. Based on the available evidence, the clinical significance of this variant remains unclear.

Labcorp Genetics (formerly Invitae), Labcorp
Classification: Uncertain significance for Familial melanoma. Last evaluated: 2021-07-13. Review status: criteria provided, single submitter. Criteria: Invitae Variant Classification Sherloc (09022015). Collection method: clinical testing. Allele origin: germline.